The following is an entry in ClinVar:

ClinVar aggregate classification (germline): Uncertain significance (1 of 4 stars; one submission).

Conditions:
Familial adenomatous polyposis 1 (FAP1). Also called: FAMILIAL ADENOMATOUS POLYPOSIS 1, ATTENUATED; POLYPOSIS, ADENOMATOUS INTESTINAL. Identifiers: MedGen C2713442, MONDO:0021056, OMIM 175100. Disease mechanism: loss of function.

gnomAD v4.1: 6 of 1,283,042 alleles (0.00047%); highest among the groups gnomAD compares: South Asian, 0.0064%; no homozygotes.

Submission:

Labcorp Genetics (formerly Invitae), Labcorp
Classification: Uncertain significance for Familial adenomatous polyposis 1. Last evaluated: 2025-08-07. Review status: criteria provided, single submitter. Criteria: Invitae Variant Classification Sherloc (09022015). Collection method: clinical testing. Allele origin: germline.
Comment: This variant occurs in a non-coding region of the APC gene. It does not change the encoded amino acid sequence of the APC protein. This variant is not present in population databases (gnomAD no frequency). This variant has not been reported in the literature in individuals affected with APC-related conditions. ClinVar contains an entry for this variant (Variation ID: 469818). Experimental studies and prediction algorithms are not available or were not evaluated, and the functional significance of this variant is currently unknown. In summary, the available evidence is currently insufficient to determine the role of this variant in disease. Therefore, it has been classified as a Variant of Uncertain Significance.

NM_001127511.3(APC):c.-98G>A

Gene: APC (APC regulator of Wnt signaling pathway; plus strand). Cytogenetic location: 5q22.2.
Variant type: single nucleotide variant.
Coding change: c.-98G>A on transcript NM_001127511.3; 98 bases upstream of the start codon, G replaced by A.
Molecular consequence: 5 prime UTR variant. On other transcripts: non-coding transcript variant (2).
Genome position (GRCh38, 1-based): chr5:112,707,620, G>A. VCF-style: chr5-112707620-G-A. GRCh37 (hg19) VCF-style: chr5-112043317-G-A.
Other names: c.-281G>A (NM_001354895.2, NM_001407447.1, NM_001407452.1 and 3 more transcripts); c.-98G>A (NM_001354897.2, NM_001354902.2, NM_001407446.1); c.-48G>A (NM_001407448.1, NM_001407450.1, NM_001407457.1 and 1 more transcripts); c.-72G>A (NM_001407453.1); c.-1316G>A (NM_001407470.1, NM_001407472.1).
Identifiers: ClinVar variation 469818 (VCV000469818.45), dbSNP rs997256982, ClinGen allele CA124925040.